The following is an entry in ClinVar:

ClinVar aggregate classification (germline): Uncertain significance (1 of 4 stars; one submission).

Submission:

CeGaT Center for Human Genetics Tuebingen
Classification: Uncertain significance. Last evaluated: 2024-01-01. Review status: criteria provided, single submitter. Criteria: CeGaT Center For Human Genetics Tuebingen Variant Classification Criteria Version 2. Collection method: clinical testing. Allele origin: germline. Affected: yes. Observed: 1 variant allele.
Comment: SOX6: PM2

NM_001367873.1(SOX6):c.1997A>G (p.Glu666Gly)

Gene: SOX6 (SRY-box transcription factor 6; minus strand). Cytogenetic location: 11p15.2.
Variant type: single nucleotide variant.
Coding change: c.1997A>G on transcript NM_001367873.1 (MANE Select); coding-DNA position 1997, A replaced by G.
Protein change: p.Glu666Gly; replaces glutamic acid 666 with glycine.
Molecular consequence: missense variant.
Genome position (GRCh38, 1-based): chr11:15,986,390, T>C on the plus strand (A>G on the coding strand, the complement: SOX6 is on the minus strand). VCF-style: chr11-15986390-T-C. GRCh37 (hg19) VCF-style: chr11-16007936-T-C.
Other names: c.1916A>G, p.Glu639Gly (NM_017508.3, NM_001145811.2); c.1937A>G, p.Glu646Gly (NM_033326.3); c.1997A>G, p.Glu666Gly (NM_001145819.2); c.1874A>G, p.Glu625Gly (NM_001367872.1); short protein forms E625G, E639G, E646G, E666G.
Identifiers: ClinVar variation 3026712 (VCV003026712.22), dbSNP rs2493972076, ClinGen allele CA379873832.
Genomic context (GRCh38, chr11:15,986,390, plus strand): 5'-GGGTACTTCTCTAAGTGGATCTTGCTTAGCCGGGCCTGCTCTTCATAATAAGGTTGCTTC[T>C]CCTGGTTGGACATTGATTTCCAGCGAGATCCTAGAAATAAAAATAGCCTTAAGTACCCAA-3'
Protein context (NP_001354802.1, residues 656-676): GSRWKSMSNQ[Glu666Gly]KQPYYEEQAR